The following is an entry in ClinVar:

ClinVar aggregate classification (germline): Uncertain significance (1 of 4 stars; one submission).

Conditions:
Walker-Warburg congenital muscular dystrophy. Also called: Muscular dystrophy-dystroglycanopathy, type A; Walker-Warburg syndrome. Identifiers: Orphanet 899, MedGen C0265221, MONDO:0000171.

Allele frequency attached by ClinVar (database versions not stated): TOPMed 0.00001.
gnomAD v4.1: 1 of 1,611,960 alleles (0.000062%); highest among the groups gnomAD compares: African/African-American, 0.0013%; no homozygotes.

Submission:

Labcorp Genetics (formerly Invitae), Labcorp
Classification: Uncertain significance for Walker-Warburg congenital muscular dystrophy. Last evaluated: 2022-07-26. Review status: criteria provided, single submitter. Criteria: Invitae Variant Classification Sherloc (09022015). Collection method: clinical testing. Allele origin: germline.
Comment: ClinVar contains an entry for this variant (Variation ID: 952152). In summary, the available evidence is currently insufficient to determine the role of this variant in disease. Therefore, it has been classified as a Variant of Uncertain Significance. Algorithms developed to predict the effect of sequence changes on RNA splicing suggest that this variant may create or strengthen a splice site. Algorithms developed to predict the effect of missense changes on protein structure and function are either unavailable or do not agree on the potential impact of this missense change (SIFT: "Tolerated"; PolyPhen-2: "Probably Damaging"; Align-GVGD: "Class C0"). This variant has not been reported in the literature in individuals affected with FKTN-related conditions. This variant is not present in population databases (gnomAD no frequency). This sequence change replaces threonine, which is neutral and polar, with arginine, which is basic and polar, at codon 14 of the FKTN protein (p.Thr14Arg).

NM_001079802.2(FKTN):c.41C>G (p.Thr14Arg)

Gene: FKTN (fukutin; plus strand). Cytogenetic location: 9q31.2.
Variant type: single nucleotide variant.
Coding change: c.41C>G on transcript NM_001079802.2 (MANE Select); coding-DNA position 41, C replaced by G.
Protein change: p.Thr14Arg; replaces threonine 14 with arginine.
Molecular consequence: missense variant. On other transcripts: 5 prime UTR variant (5), non-coding transcript variant (2).
Genome position (GRCh38, 1-based): chr9:105,575,073, C>G. VCF-style: chr9-105575073-C-G. GRCh37 (hg19) VCF-style: chr9-108337354-C-G.
Other names: c.41C>G, p.Thr14Arg (NM_001198963.2, NM_001351496.2, NM_001351498.2 and 1 more transcripts); c.-127C>G (NM_001351497.2); c.-474C>G (NM_001351499.2, NM_001351500.2, NM_001351501.2 and 1 more transcripts); short protein forms T14R.
Identifiers: ClinVar variation 952152 (VCV000952152.9), dbSNP rs149033995, ClinGen allele CA374330863.